The following is an entry in ClinVar:

NM_001089.3(ABCA3):c.1724C>T (p.Thr575Ile)

Gene: ABCA3 (ATP binding cassette subfamily A member 3; minus strand). Cytogenetic location: 16p13.3.
Variant type: single nucleotide variant.
Coding change: c.1724C>T on transcript NM_001089.3 (MANE Select); coding-DNA position 1724, C replaced by T.
Protein change: p.Thr575Ile; replaces threonine 575 with isoleucine.
Molecular consequence: missense variant.
Genome position (GRCh38, 1-based): chr16:2,299,420, G>A on the plus strand (C>T on the coding strand, the complement: ABCA3 is on the minus strand). VCF-style: chr16-2299420-G-A. GRCh37 (hg19) VCF-style: chr16-2349421-G-A.
Other names: short protein forms T575I.
Identifiers: ClinVar variation 4690361 (VCV004690361.1).
Genomic context (GRCh38, chr16:2,299,420, plus strand): 5'-GGGGGCCTGCTGGTGGCAGGGGCGTGAGGCGCCTGGCCCTCACCTGTGAGCATGGAGAGG[G>A]TGGTGGTCTTCCCGGCACCGTTGTGGCCCAGCAGGACGGTGATCTGTCCCTCGTACAGGT-3'
Protein context (NP_001080.2, residues 565-585): LGHNGAGKTT[Thr575Ile]LSMLTGLFPP

ClinVar aggregate classification (germline): Uncertain significance (1 of 4 stars; one submission).

gnomAD v4.1: 17 of 1,613,696 alleles (0.0011%); highest among the groups gnomAD compares: Non-Finnish European, 0.0014%; no homozygotes.

Submission:

Labcorp Genetics (formerly Invitae), Labcorp
Classification: Uncertain significance. Last evaluated: 2025-06-14. Review status: criteria provided, single submitter. Criteria: Invitae Variant Classification Sherloc (09022015). Collection method: clinical testing. Allele origin: germline.
Comment: This sequence change replaces threonine, which is neutral and polar, with isoleucine, which is neutral and non-polar, at codon 575 of the ABCA3 protein (p.Thr575Ile). This variant is present in population databases (rs755882256, gnomAD 0.002%). This variant has not been reported in the literature in individuals affected with ABCA3-related conditions. Invitae Evidence Modeling of protein sequence and biophysical properties (such as structural, functional, and spatial information, amino acid conservation, physicochemical variation, residue mobility, and thermodynamic stability) indicates that this missense variant is not expected to disrupt ABCA3 protein function with a negative predictive value of 80%. In summary, the available evidence is currently insufficient to determine the role of this variant in disease. Therefore, it has been classified as a Variant of Uncertain Significance.